The following is an entry in ClinVar:

ClinVar aggregate classification (germline): Uncertain significance. Review status: criteria provided, multiple submitters, no conflicts (2 of 4 stars). 3 submissions from 3 submitters: Uncertain significance (3). Last evaluated 2019-12-10.

Conditions:
Hereditary spastic paraplegia 10 (SPG10). Also called: SPASTIC PARAPLEGIA 10, AUTOSOMAL DOMINANT; SPASTIC PARAPLEGIA 10 WITH OR WITHOUT PERIPHERAL NEUROPATHY; SPASTIC PARAPLEGIA 10 WITH PERIPHERAL NEUROPATHY. Identifiers: Orphanet 100991, MedGen C1858712, MONDO:0011408, OMIM 604187.
Hereditary spastic paraplegia. Also called: Familial spastic paraparesis. Identifiers: Orphanet 685, MedGen C0037773, MONDO:0019064. Disease mechanism: loss of function.

Submissions (3):

GeneDx
Classification: Uncertain significance. Last evaluated: 2019-12-10. Review status: criteria provided, single submitter. Criteria: GeneDx Variant Classification Process June 2021. Collection method: clinical testing. Allele origin: germline. Affected: yes.
Comment: Has not been previously published as pathogenic or benign to our knowledge; In silico analysis, which includes protein predictors and evolutionary conservation, supports a deleterious effect; Not observed in large population cohorts (Lek et al., 2016)

Genome Diagnostics Laboratory, The Hospital for Sick Children
Classification: Uncertain significance for Hereditary spastic paraplegia. Last evaluated: 2017-05-29. Review status: criteria provided, single submitter. Criteria: ACMG Guidelines, 2015. Collection method: clinical testing. Allele origin: germline. Affected: yes.

Genetic Foundation of Khorasan Razavi (GFKR)
Classification: Uncertain significance for Hereditary spastic paraplegia 10. Review status: criteria provided, single submitter. Criteria: ACMG Guidelines, 2015. Collection method: clinical testing. Allele origin: de novo. Inheritance: Autosomal dominant inheritance. Affected: yes. Observed: 1 heterozygote.
Comment: This variant is very rare from population databases, supporting its rarity in the general population. The gene involved is known to be intolerant to benign missense variation, and missense changes in this gene are more likely to be associated with disease. Computational prediction tools consistently indicate a damaging effect on protein structure or function.In addition, this variant has been submitted to ClinVar as a variant of uncertain significance( VCV001310962.5)

NM_004984.4(KIF5A):c.587C>T (p.Thr196Ile)

Gene: KIF5A (kinesin family member 5A; plus strand). Cytogenetic location: 12q13.3.
Variant type: single nucleotide variant.
Coding change: c.587C>T on transcript NM_004984.4 (MANE Select); coding-DNA position 587, C replaced by T.
Protein change: p.Thr196Ile; replaces threonine 196 with isoleucine.
Molecular consequence: missense variant.
Genome position (GRCh38, 1-based): chr12:57,567,211, C>T. VCF-style: chr12-57567211-C-T. GRCh37 (hg19) VCF-style: chr12-57960994-C-T.
Other names: c.320C>T, p.Thr107Ile (NM_001354705.2); short protein forms T107I, T196I.
Identifiers: ClinVar variation 1310962 (VCV001310962.5), dbSNP rs2140161296, ClinGen allele CA385497988.